The following is an entry in ClinVar:

ClinVar aggregate classification (germline): Uncertain significance. Review status: criteria provided, multiple submitters, no conflicts (2 of 4 stars). 4 submissions from 4 submitters: Uncertain significance (3). 1 of the submissions does not count toward it. Last evaluated 2026-09-23.

Conditions:
KMT2D-related disorder. Also called: KMT2D-Related Disorders.
Inborn genetic diseases. Identifiers: MedGen C0950123, MeSH D030342.
Choanal atresia-athelia-hypothyroidism-delayed puberty-short stature syndrome (BCAHH). Also called: BRANCHIAL ARCH ABNORMALITIES, CHOANAL ATRESIA, ATHELIA, HEARING LOSS, AND HYPOTHYROIDISM SYNDROME. Identifiers: Orphanet 589856, MedGen C5680310, MONDO:0035651, OMIM 620186.
Kabuki syndrome 1 (KABUK1). Also called: KMT2D-Related Kabuki Syndrome. Identifiers: Orphanet 2322, MedGen CN030661, MONDO:0007843, OMIM 147920.

Allele frequency attached by ClinVar (database versions not stated): gnomAD 0.00001; TOPMed 0.00002.

Submissions (4):

PreventionGenetics, part of Exact Sciences
Classification: Uncertain significance for KMT2D-related condition. Last evaluated: 2026-09-23. Review status: criteria provided, single submitter. Criteria: ACMG Guidelines, 2015. Collection method: clinical testing. Allele origin: germline.
Comment: The KMT2D c.5248_5250delGAG variant is predicted to result in an in-frame deletion (p.Glu1750del). To our knowledge, this variant has not been reported in the literature or in a large population database (gnomAD), indicating this variant is rare. At this time, the clinical significance of this variant is uncertain due to the absence of conclusive functional and genetic evidence.

Fulgent Genetics
Classification: Uncertain significance for Kabuki syndrome 1; Choanal atresia-athelia-hypothyroidism-delayed puberty-short stature syndrome. Last evaluated: 2024-04-23. Review status: criteria provided, single submitter. Criteria: ACMG Guidelines, 2015. Collection method: clinical testing. Allele origin: germline.

Ambry Genetics
Classification: Uncertain significance for Inborn genetic diseases. Last evaluated: 2020-03-03. Review status: criteria provided, single submitter. Criteria: Ambry Variant Classification Scheme 2023. Collection method: clinical testing. Allele origin: germline.
Comment: The alteration results in an in-frame deletion:_x000D_ _x000D_ The c.5248_5250delGAG (p.E1750del) alteration, located in coding exon 22 of the KMT2D gene results from an in-frame GAG deletion at nucleotide positions c.5248 to c.5250. This results in the in-frame deletion of a glutamic acid residue at codon 1750. The alteration is not observed in population databases:_x000D_ _x000D_ Based on data from the Genome Aggregation Database (gnomAD), the KMT2D c.5248_5250delGAG alteration was not observed, with coverage at this position. The altered amino acid is conserved throughout evolution:_x000D_ _x000D_ The E1750 amino acid is conserved in available vertebrate species. Based on insufficient or conflicting evidence, the clinical significance of this alteration remains unclear.

Gharavi Laboratory, Columbia University
Classification: Uncertain significance. Last evaluated: 2018-09-16. Review status: no assertion criteria provided. Criteria: ACMG Guidelines, 2015. Collection method: research. Allele origin: germline. Affected: yes. Not counted in ClinVar's aggregate classification.

NM_003482.4(KMT2D):c.5248_5250del (p.Glu1750del)

Gene: KMT2D (lysine methyltransferase 2D; minus strand). Cytogenetic location: 12q13.12.
Variant type: Deletion.
Coding change: c.5248_5250del on transcript NM_003482.4 (MANE Select); coding-DNA positions 5248 to 5250, 3 bases deleted (GAG; older notation c.5248_5250delGAG).
Protein change: p.Glu1750del; deletes glutamic acid 1750.
Molecular consequence: inframe deletion.
Genome position (GRCh38, 1-based): chr12:49,043,937-49,043,939, CTC deleted on the plus strand (GAG on the coding strand, the reverse complement: KMT2D is on the minus strand). VCF-style (leftmost placement, unchanged base first): chr12-49043936-TCTC-T. GRCh37 (hg19) VCF-style: chr12-49437719-TCTC-T.
Other names: c.5248_5250delGAG (NM_003482.3); short protein forms E1750del.
Identifiers: ClinVar variation 591033 (VCV000591033.7), dbSNP rs1403096314, ClinGen allele CA689534122.